The following is an entry in ClinVar:

ClinVar aggregate classification (germline): Uncertain significance (1 of 4 stars; one submission).

Conditions:
Fetal akinesia deformation sequence 1 (FADS1). Also called: Fetal akinesia sequence; Pena-Shokeir syndrome type I. Identifiers: Orphanet 994, MedGen C1276035, MONDO:0100101, OMIM 208150, HP:0001989.
Congenital myasthenic syndrome 9. Also called: Myasthenic syndrome, congenital, 9, associated with acetylcholine receptor deficiency. Identifiers: Orphanet 590, MedGen C4225368, MONDO:0014587, OMIM 616325.

Submission:

Labcorp Genetics (formerly Invitae), Labcorp
Classification: Uncertain significance for Congenital myasthenic syndrome 9; Fetal akinesia deformation sequence 1. Last evaluated: 2022-06-27. Review status: criteria provided, single submitter. Criteria: Invitae Variant Classification Sherloc (09022015). Collection method: clinical testing. Allele origin: germline.
Comment: This variant has not been reported in the literature in individuals affected with MUSK-related conditions. This sequence change replaces valine, which is neutral and non-polar, with leucine, which is neutral and non-polar, at codon 644 of the MUSK protein (p.Val644Leu). This variant is not present in population databases (gnomAD no frequency). Algorithms developed to predict the effect of missense changes on protein structure and function are either unavailable or do not agree on the potential impact of this missense change (SIFT: "Tolerated"; PolyPhen-2: "Probably Damaging"; Align-GVGD: "Class C0"). In summary, the available evidence is currently insufficient to determine the role of this variant in disease. Therefore, it has been classified as a Variant of Uncertain Significance.

NM_005592.4(MUSK):c.1930G>C (p.Val644Leu)

Gene: MUSK (muscle associated receptor tyrosine kinase; plus strand). Cytogenetic location: 9q31.3.
Variant type: single nucleotide variant.
Coding change: c.1930G>C on transcript NM_005592.4 (MANE Select); coding-DNA position 1930, G replaced by C.
Protein change: p.Val644Leu; replaces valine 644 with leucine.
Molecular consequence: missense variant.
Genome position (GRCh38, 1-based): chr9:110,800,308, G>C. VCF-style: chr9-110800308-G-C. GRCh37 (hg19) VCF-style: chr9-113562588-G-C.
Other names: c.1672G>C, p.Val558Leu (NM_001166280.2); c.1642G>C, p.Val548Leu (NM_001166281.2); c.670G>C, p.Val224Leu (NM_001369398.1); short protein forms V224L, V548L, V558L, V644L.
Identifiers: ClinVar variation 1357484 (VCV001357484.8), dbSNP rs2132065378, ClinGen allele CA374477586.